The following is an entry in ClinVar:

ClinVar aggregate classification (germline): Uncertain significance (1 of 4 stars; one submission).

Allele frequency attached by ClinVar (database versions not stated): gnomAD exomes below 0.00001; ExAC 0.00001; ESP Exome Variant Server 0.00008.

Submission:

Labcorp Genetics (formerly Invitae), Labcorp
Classification: Uncertain significance. Last evaluated: 2023-10-13. Review status: criteria provided, single submitter. Criteria: Invitae Variant Classification Sherloc (09022015). Collection method: clinical testing. Allele origin: germline.
Comment: This sequence change replaces proline, which is neutral and non-polar, with serine, which is neutral and polar, at codon 2605 of the PCLO protein (p.Pro2605Ser). This variant is present in population databases (rs369896495, gnomAD 0.003%). This variant has not been reported in the literature in individuals affected with PCLO-related conditions. ClinVar contains an entry for this variant (Variation ID: 1485751). Experimental studies and prediction algorithms are not available or were not evaluated, and the functional significance of this variant is currently unknown. In summary, the available evidence is currently insufficient to determine the role of this variant in disease. Therefore, it has been classified as a Variant of Uncertain Significance.

NM_033026.6(PCLO):c.7813C>T (p.Pro2605Ser)

Gene: PCLO (piccolo presynaptic cytomatrix protein; minus strand). Cytogenetic location: 7q21.11.
Variant type: single nucleotide variant.
Coding change: c.7813C>T on transcript NM_033026.6 (MANE Select); coding-DNA position 7813, C replaced by T.
Protein change: p.Pro2605Ser; replaces proline 2605 with serine.
Molecular consequence: missense variant.
Genome position (GRCh38, 1-based): chr7:82,953,140, G>A on the plus strand (C>T on the coding strand, the complement: PCLO is on the minus strand). VCF-style: chr7-82953140-G-A. GRCh37 (hg19) VCF-style: chr7-82582456-G-A.
Other names: c.7813C>T, p.Pro2605Ser (NM_014510.3); short protein forms P2605S.
Identifiers: ClinVar variation 1485751 (VCV001485751.7), dbSNP rs369896495, ClinGen allele CA4320243.